The following is an entry in ClinVar:

ClinVar aggregate classification (germline): Uncertain significance (1 of 4 stars; one submission).

Conditions:
Hereditary cancer-predisposing syndrome. Also called: Neoplastic Syndromes, Hereditary; Tumor predisposition; Hereditary Cancer Syndrome; Hereditary neoplastic syndrome. Identifiers: Orphanet 140162, MedGen C0027672, MeSH D009386, MONDO:0015356.

Submission:

Ambry Genetics
Classification: Uncertain significance for Hereditary cancer-predisposing syndrome. Last evaluated: 2025-09-15. Review status: criteria provided, single submitter. Criteria: Ambry Variant Classification Scheme 2023. Collection method: clinical testing. Allele origin: germline.
Comment: The c.1135_1137delGAGins12 variant (also known as p.E379delinsHCAP), located in coding exon 12 of the NF2 gene, results from an in-frame deletion of GAG and insertion of CACTGTGCCCCA at nucleotide positions 1135 to 1137. This results in the substitution of a glutamic acid residue for the histidine, cysteine, alanine, and proline residues at codon 379. RNA studies have demonstrated that this alteration does not result in abnormal splicing in the set of samples tested (Ambry internal data). This amino acid position is well conserved in available vertebrate species. In addition, this variant is predicted to be deleterious by in silico analysis (Choi Y et al. PLoS ONE. 2012; 7(10):e46688). Based on the available evidence, the clinical significance of this variant remains unclear.

NM_000268.4(NF2):c.1135_1137delinsCACTGTGCCCCA (p.Glu379delinsHisCysAlaPro)

Gene: NF2 (NF2, moesin-ezrin-radixin like (MERLIN) tumor suppressor; plus strand). Cytogenetic location: 22q12.2.
Variant type: Indel.
Coding change: c.1135_1137delinsCACTGTGCCCCA on transcript NM_000268.4 (MANE Select); coding-DNA positions 1135 to 1137, GAG replaced by CACTGTGCCCCA.
Protein change: p.Glu379delinsHisCysAlaPro.
Molecular consequence: inframe indel. On other transcripts: intron variant (1).
Genome position (GRCh38, 1-based): chr22:29,673,281-29,673,283, GAG replaced by CACTGTGCCCCA. VCF-style: chr22-29673281-GAG-CACTGTGCCCCA. GRCh37 (hg19) VCF-style: chr22-30069270-GAG-CACTGTGCCCCA.
Other names: c.1021_1023delinsCACTGTGCCCCA, p.Glu341delinsHisCysAlaPro (NM_001407053.1, NM_001407056.1); c.1012_1014delinsCACTGTGCCCCA, p.Glu338delinsHisCysAlaPro (NM_001407054.1, NM_001407058.1, NM_181829.3); c.1009_1011delinsCACTGTGCCCCA, p.Glu337delinsHisCysAlaPro (NM_001407055.1, NM_181828.3); c.1000_1002delinsCACTGTGCCCCA, p.Glu334delinsHisCysAlaPro (NM_001407057.1, NM_001407059.1); c.1135_1137delinsCACTGTGCCCCA, p.Glu379delinsHisCysAlaPro (NM_001407060.1, NM_001407066.1, NM_016418.5 and 2 more transcripts); c.877_879delinsCACTGTGCCCCA, p.Glu293delinsHisCysAlaPro (NM_001407062.1); c.886_888delinsCACTGTGCCCCA, p.Glu296delinsHisCysAlaPro (NM_001407063.1, NM_001407064.1, NM_181830.3 and 1 more transcripts); c.601_603delinsCACTGTGCCCCA, p.Glu201delinsHisCysAlaPro (NM_001407065.1); and 2 more.
Identifiers: ClinVar variation 4661233 (VCV004661233.1).